The following is an entry in ClinVar:

ClinVar aggregate classification (germline): Pathogenic (1 of 4 stars; one submission).

Submission:

Labcorp Genetics (formerly Invitae), Labcorp
Classification: Pathogenic. Last evaluated: 2025-01-18. Review status: criteria provided, single submitter. Criteria: Invitae Variant Classification Sherloc (09022015). Collection method: clinical testing. Allele origin: germline.
Comment: This sequence change creates a premature translational stop signal (p.Ala85Profs*3) in the KCNQ5 gene. It is expected to result in an absent or disrupted protein product. Loss-of-function variants in KCNQ5 are known to be pathogenic (PMID: 28669405, 35583973, 36088682). This variant is not present in population databases (gnomAD no frequency). This variant has not been reported in the literature in individuals affected with KCNQ5-related conditions. For these reasons, this variant has been classified as Pathogenic.

Literature cited by the submitters: PubMed 28669405; PubMed 35583973; PubMed 36088682.

NM_019842.4(KCNQ5):c.253del (p.Ala85fs)

Genes: KCNQ5 (potassium voltage-gated channel subfamily Q member 5; plus strand), KCNQ5-DT (KCNQ5 divergent transcript; minus strand). Cytogenetic location: 6q13.
Variant type: Deletion.
Coding change: c.253del on transcript NM_019842.4 (MANE Select); coding-DNA position 253, one base deleted (G; older notation c.253delG).
Protein change: p.Ala85fs; shifts the reading frame from alanine 85.
Molecular consequence: frameshift variant.
Genome position (GRCh38, 1-based): chr6:72,622,442, G deleted; the last of 5 consecutive G bases (chr6:72,622,438-72,622,442); deleting any one gives the same sequence. VCF-style (leftmost placement, unchanged base first): chr6-72622437-AG-A. GRCh37 (hg19) VCF-style: chr6-73332165-AG-A.
Other names: c.253del, p.Ala85fs (NM_001160130.2, NM_001160132.2, NM_001160133.2 and 1 more transcripts); short protein forms A85fs.
Identifiers: ClinVar variation 3661308 (VCV003661308.2).